The following is an entry in ClinVar:

NM_024809.5(TCTN2):c.1043C>T (p.Thr348Ile)

Gene: TCTN2 (tectonic family member 2; plus strand). Cytogenetic location: 12q24.31.
Variant type: single nucleotide variant.
Coding change: c.1043C>T on transcript NM_024809.5 (MANE Select); coding-DNA position 1043, C replaced by T.
Protein change: p.Thr348Ile; replaces threonine 348 with isoleucine.
Molecular consequence: missense variant.
Genome position (GRCh38, 1-based): chr12:123,692,667, C>T. VCF-style: chr12-123692667-C-T. GRCh37 (hg19) VCF-style: chr12-124177214-C-T.
Other names: c.1040C>T, p.Thr347Ile (NM_001143850.3); c.1043C>T, p.Thr348Ile (NM_001410989.1); short protein forms T347I, T348I.
Identifiers: ClinVar variation 2168315 (VCV002168315.3), dbSNP rs564412882, ClinGen allele CA6861088.

ClinVar aggregate classification (germline): Uncertain significance. Review status: criteria provided, multiple submitters, no conflicts (2 of 4 stars). 2 submissions from 2 submitters: Uncertain significance (2). Last evaluated 2024-02-03.

Conditions:
Joubert syndrome 24 (JBTS24). Identifiers: Orphanet 475, MedGen C4084841, MONDO:0014724, OMIM 616654.
Meckel syndrome, type 8. Identifiers: Orphanet 564, MedGen C3836857, MONDO:0013482, OMIM 613885.
Joubert syndrome. Also called: CEREBELLOPARENCHYMAL DISORDER IV; JOUBERT-BOLTSHAUSER SYNDROME; Familial aplasia of the vermis. Identifiers: Orphanet 475, MedGen C5979921, MONDO:0018772.
Meckel-Gruber syndrome. Also called: DYSENCEPHALIA SPLANCHNOCYSTICA; GRUBER SYNDROME; Dysencephalia splachnocystica. Identifiers: Orphanet 564, MedGen C0265215, MONDO:0018921.

Submissions (2):

Fulgent Genetics
Classification: Uncertain significance for Meckel syndrome, type 8; Joubert syndrome 24. Last evaluated: 2024-02-03. Review status: criteria provided, single submitter. Criteria: ACMG Guidelines, 2015. Collection method: clinical testing. Allele origin: germline.

Labcorp Genetics (formerly Invitae), Labcorp
Classification: Uncertain significance for Joubert syndrome; Meckel-Gruber syndrome. Last evaluated: 2022-05-06. Review status: criteria provided, single submitter. Criteria: Invitae Variant Classification Sherloc (09022015). Collection method: clinical testing. Allele origin: germline.
Comment: In summary, the available evidence is currently insufficient to determine the role of this variant in disease. Therefore, it has been classified as a Variant of Uncertain Significance. This sequence change replaces threonine, which is neutral and polar, with isoleucine, which is neutral and non-polar, at codon 348 of the TCTN2 protein (p.Thr348Ile). This variant is present in population databases (rs564412882, gnomAD 0.006%). This variant has not been reported in the literature in individuals affected with TCTN2-related conditions. Algorithms developed to predict the effect of missense changes on protein structure and function output the following: SIFT: "Tolerated"; PolyPhen-2: "Benign"; Align-GVGD: "Class C0". The isoleucine amino acid residue is found in multiple mammalian species, which suggests that this missense change does not adversely affect protein function.